The following is an entry in ClinVar:

ClinVar aggregate classification (germline): Conflicting classifications of pathogenicity. Review status: criteria provided, conflicting classifications (1 of 4 stars). 4 submissions from 3 submitters: Uncertain significance (2); Likely benign (2). Last evaluated 2025-12-29.

Conditions:
Inborn genetic diseases. Identifiers: MedGen C0950123, MeSH D030342.
Wagner disease. Also called: WAGNER VITREORETINAL DEGENERATION; WAGNER VITREORETINOPATHY; Wagner Vitreoretinal Degeneration (Wagner Synrdome); WAGNER SYNDROME 1; HYALOIDEORETINAL DEGENERATION OF WAGNER; Wagner syndrome. Identifiers: Orphanet 898, MedGen C1840452, MONDO:0007740, OMIM 143200.
Vitreoretinopathy. Also called: Vitreoretinal degeneration. Identifiers: MedGen C0344290, MONDO:0020248, HP:0007773.

Allele frequency attached by ClinVar (database versions not stated): gnomAD 0.00001; gnomAD exomes 0.00001 and 0.00003; ExAC 0.00002; TOPMed 0.00002.
gnomAD v4.1: 21 of 1,613,980 alleles (0.0013%); highest among the groups gnomAD compares: Admixed American, 0.0067%; no homozygotes.

Submissions (4):

Labcorp Genetics (formerly Invitae), Labcorp
Classification: Uncertain significance. Last evaluated: 2025-12-29. Review status: criteria provided, single submitter. Criteria: Invitae Variant Classification Sherloc (09022015). Collection method: clinical testing. Allele origin: germline.
Comment: This sequence change replaces glutamine, which is neutral and polar, with arginine, which is basic and polar, at codon 2090 of the VCAN protein (p.Gln2090Arg). This variant is present in population databases (rs767918859, gnomAD 0.02%). This variant has not been reported in the literature in individuals affected with VCAN-related conditions. ClinVar contains an entry for this variant (Variation ID: 907451). An algorithm developed to predict the effect of missense changes on protein structure and function (PolyPhen-2) suggests that this variant is likely to be disruptive. In summary, the available evidence is currently insufficient to determine the role of this variant in disease. Therefore, it has been classified as a Variant of Uncertain Significance.

Ambry Genetics
Classification: Uncertain significance for Inborn genetic diseases. Last evaluated: 2025-08-28. Review status: criteria provided, single submitter. Criteria: Ambry Variant Classification Scheme 2023. Collection method: clinical testing. Allele origin: germline.

Illumina Laboratory Services, Illumina
Classification: Likely benign for Wagner disease. Last evaluated: 2018-01-13. Review status: criteria provided, single submitter. Criteria: ICSL Variant Classification Criteria 13 December 2019. Collection method: clinical testing. Allele origin: germline.
Comment: This variant was observed in the ICSL laboratory as part of a predisposition screen in an ostensibly healthy population. It had not been previously curated by ICSL or reported in the Human Gene Mutation Database (HGMD: prior to June 1st, 2018), and was therefore a candidate for classification through an automated scoring system. Utilizing variant allele frequency, disease prevalence and penetrance estimates, and inheritance mode, an automated score was calculated to assess if this variant is too frequent to cause the disease. Based on the score and internal cut-off values, a variant classified as likely benign is not then subjected to further curation. The score for this variant resulted in a classification of likely benign for this disease.

Illumina Laboratory Services, Illumina
Classification: Likely benign for Vitreoretinopathy. Last evaluated: 2018-01-13. Review status: criteria provided, single submitter. Criteria: ICSL Variant Classification Criteria 13 December 2019. Collection method: clinical testing. Allele origin: germline.
Comment: the same text as in the submission from Illumina Laboratory Services, Illumina above.

NM_004385.5(VCAN):c.6269A>G (p.Gln2090Arg)

Genes: VCAN (versican; plus strand), VCAN-AS1 (VCAN antisense RNA 1; minus strand). Cytogenetic location: 5q14.3.
Variant type: single nucleotide variant.
Coding change: c.6269A>G on transcript NM_004385.5 (MANE Select); coding-DNA position 6269, A replaced by G.
Protein change: p.Gln2090Arg; replaces glutamine 2090 with arginine.
Molecular consequence: missense variant. On other transcripts: intron variant (2).
Genome position (GRCh38, 1-based): chr5:83,539,272, A>G. VCF-style: chr5-83539272-A-G. GRCh37 (hg19) VCF-style: chr5-82835091-A-G.
Other names: c.3308A>G, p.Gln1103Arg (NM_001164097.2); c.4004-6265A>G (NM_001164098.2); c.1043-6265A>G (NM_001126336.3); short protein forms Q1103R, Q2090R.
Identifiers: ClinVar variation 907451 (VCV000907451.8), dbSNP rs767918859, ClinGen allele CA3333464.